The following is an entry in ClinVar:

ClinVar aggregate classification (germline): Uncertain significance. Review status: criteria provided, multiple submitters, no conflicts (2 of 4 stars). 2 submissions from 2 submitters: Uncertain significance (2). Last evaluated 2022-09-01.

Conditions:
Inborn genetic diseases. Identifiers: MedGen C0950123, MeSH D030342.

Allele frequency attached by ClinVar (database versions not stated): TOPMed below 0.00001; gnomAD exomes 0.00001.
gnomAD v4.1: 8 of 1,613,956 alleles (0.0005%); highest among the groups gnomAD compares: Non-Finnish European, 0.00068%; no homozygotes.

Submissions (2):

CeGaT Center for Human Genetics Tuebingen
Classification: Uncertain significance. Last evaluated: 2022-09-01. Review status: criteria provided, single submitter. Criteria: CeGaT Center For Human Genetics Tuebingen Variant Classification Criteria Version 2. Collection method: clinical testing. Allele origin: germline. Affected: yes. Observed: 1 variant allele.

Ambry Genetics
Classification: Uncertain significance for Inborn genetic diseases. Last evaluated: 2022-03-09. Review status: criteria provided, single submitter. Criteria: Ambry Variant Classification Scheme 2023. Collection method: clinical testing. Allele origin: germline.
Comment: The p.G1786D variant (also known as c.5357G>A), located in coding exon 26 of the SCN11A gene, results from a G to A substitution at nucleotide position 5357. The glycine at codon 1786 is replaced by aspartic acid, an amino acid with similar properties. This amino acid position is not well conserved in available vertebrate species. In addition, this alteration is predicted to be tolerated by in silico analysis. Since supporting evidence is limited at this time, the clinical significance of this alteration remains unclear.

NM_001349253.2(SCN11A):c.5357G>A (p.Gly1786Asp)

Gene: SCN11A (sodium voltage-gated channel alpha subunit 11; minus strand). Cytogenetic location: 3p22.2.
Variant type: single nucleotide variant.
Coding change: c.5357G>A on transcript NM_001349253.2 (MANE Select); coding-DNA position 5357, G replaced by A.
Protein change: p.Gly1786Asp; replaces glycine 1786 with aspartic acid.
Molecular consequence: missense variant.
Genome position (GRCh38, 1-based): chr3:38,846,713, C>T on the plus strand (G>A on the coding strand, the complement: SCN11A is on the minus strand). VCF-style: chr3-38846713-C-T. GRCh37 (hg19) VCF-style: chr3-38888204-C-T.
Other names: c.5357G>A, p.Gly1786Asp (NM_014139.3); short protein forms G1786D.
Identifiers: ClinVar variation 1747031 (VCV001747031.26), dbSNP rs768645024, ClinGen allele CA72959127.